The following is an entry in ClinVar:

ClinVar aggregate classification (germline): Benign (1 of 4 stars; one submission).

Allele frequency attached by ClinVar (database versions not stated): 1000 Genomes Project 0.19149; gnomAD 0.19658 and 0.20229; 1000 Genomes Project 30x 0.19863; TOPMed 0.20691.
gnomAD v4.1: 29,707 of 152,026 alleles (20%); highest among the groups gnomAD compares: African/African-American, 33%; 3,527 homozygotes.

Submissions (2):

GeneDx
Classification: Benign. Last evaluated: 2018-06-19. Review status: criteria provided, single submitter. Criteria: GeneDx Variant Classification (06012015). Collection method: clinical testing. Allele origin: germline. Affected: yes.
Comment: This variant is considered likely benign or benign based on one or more of the following criteria: it is a conservative change, it occurs at a poorly conserved position in the protein, it is predicted to be benign by multiple in silico algorithms, and/or has population frequency not consistent with disease.

Dr. Peter K. Rogan Lab, Western University
No classification provided (evidence only). Condition: Gastric cancer. Review status: no classification provided. Collection method: in vitro. Allele origin: not applicable. Functional consequence: retained intron. Not counted in ClinVar's aggregate classification.

NM_003640.5(ELP1):c.2131-175C>T

Gene: ELP1 (elongator acetyltransferase complex subunit 1; minus strand). Cytogenetic location: 9q31.3.
Variant type: single nucleotide variant.
Coding change: c.2131-175C>T on transcript NM_003640.5 (MANE Select); 175 bases into the intron before coding-DNA position 2131, C replaced by T.
Molecular consequence: intron variant.
Genome position (GRCh38, 1-based): chr9:108,900,070, G>A on the plus strand (C>T on the coding strand, the complement: ELP1 is on the minus strand). VCF-style: chr9-108900070-G-A. GRCh37 (hg19) VCF-style: chr9-111662350-G-A.
Other names: NC_000009.11:g.111662350G>A; c.1789-175C>T (NM_001318360.2); c.1084-175C>T (NM_001330749.2).
Identifiers: ClinVar variation 681893 (VCV000681893.2), dbSNP rs1341215, ClinGen allele CA16371448.
Genomic context (GRCh38, chr9:108,900,070, plus strand): 5'-CACACTTTTAGCAGAATCTTGTTGTTCTCTATATTTATCTTGACTTTCAAGAAAAGTTTC[G>A]CTTTGAGCCTTATGGTCACAGCCTGTATCAACACTCCTTTGAATAAAGCTAACAGAAAAC-3'